The following is an entry in ClinVar:

ClinVar aggregate classification (germline): Uncertain significance. Review status: criteria provided, single submitter (1 of 4 stars). 2 submissions from 2 submitters: Uncertain significance (1). 1 of the submissions does not count toward it. Last evaluated 2024-08-14.

Submissions (2):

ARUP Laboratories, Molecular Genetics and Genomics, ARUP Laboratories
Classification: Uncertain significance. Last evaluated: 2024-08-14. Review status: criteria provided, single submitter. Criteria: ARUP Molecular Germline Variant Investigation Process 2024. Collection method: clinical testing. Allele origin: germline.
Comment: The VWF c.4942C>T; p.Pro1648Ser variant (rs61750590, ClinVar Variation ID: 100405), also known as Pro885Ser in the mature protein, is reported in the literature in two related individuals affected with von Willebrand disease type 2A (Pietu 1992). This variant is absent from the Genome Aggregation Database (v2.1.1), indicating it is not a common polymorphism. Functional analyses of the variant protein show increased sensitivity to ADAMTS-13 cleavage (Rayes 2007). However, computational analyses are uncertain whether this variant is neutral or deleterious (REVEL: 0.694). Due to limited information, the clinical significance of this variant is uncertain at this time. References: Pietu G et al. Molecular study of von Willebrand disease: identification of potential mutations in patients with type IIA and type IIB. Blood Coagul sFibrinolysis. 1992 Aug;3(4):415-21. PMID: 1420817. Rayes J et al. Effect of von Willebrand disease type 2B and type 2M mutations on the susceptibility of von Willebrand factor to ADAMTS-13. J Thromb Haemost. 2007 Feb;5(2):321-8. PMID: 17087728.

Academic Unit of Haematology, University of Sheffield
No classification provided. Review status: no classification provided. Collection method: not provided. Allele origin: not provided. Not counted in ClinVar's aggregate classification.

NM_000552.5(VWF):c.4942C>T (p.Pro1648Ser)

Gene: VWF (von Willebrand factor; minus strand). Cytogenetic location: 12p13.31.
Variant type: single nucleotide variant.
Coding change: c.4942C>T on transcript NM_000552.5 (MANE Select); coding-DNA position 4942, C replaced by T.
Protein change: p.Pro1648Ser; replaces proline 1648 with serine.
Molecular consequence: missense variant.
Genome position (GRCh38, 1-based): chr12:6,018,476, G>A on the plus strand (C>T on the coding strand, the complement: VWF is on the minus strand). VCF-style: chr12-6018476-G-A. GRCh37 (hg19) VCF-style: chr12-6127642-G-A.
Other names: short protein forms P1648S.
Identifiers: ClinVar variation 100405 (VCV000100405.2), dbSNP rs61750590, ClinGen allele CA228680.
Genomic context (GRCh38, chr12:6,018,476, plus strand): 5'-TCTGCAGCACCAGGTCAGGAGCCTCTCGGGGGAGCGTCTCAAAGTCCTGGATGAGGATAG[G>A]GGCATTGGGCCAGCCAATCCTCTCCAGCTCCTGCACGTTGGCATTAGGGCCCACTCCAAT-3'
Protein context (NP_000543.3, residues 1638-1658): ELERIGWPNA[Pro1648Ser]ILIQDFETLP